The following is an entry in ClinVar:

ClinVar aggregate classification (germline): Likely pathogenic. Review status: criteria provided, multiple submitters, no conflicts (2 of 4 stars). 2 submissions from 2 submitters: Likely pathogenic (2). Last evaluated 2024-10-08.

Conditions:
Dilated cardiomyopathy 1G (CMD1G). Identifiers: Orphanet 154, MedGen C1858763, MONDO:0011400, OMIM 604145.
Autosomal recessive limb-girdle muscular dystrophy type 2J (LGMDR10). Also called: Limb-girdle muscular dystrophy, type 2J; MUSCULAR DYSTROPHY, LIMB-GIRDLE, AUTOSOMAL RECESSIVE 10. Identifiers: Orphanet 140922, MedGen C1837342, MONDO:0012127, OMIM 608807.

Submissions (2):

Victorian Clinical Genetics Services, Murdoch Childrens Research Institute
Classification: Likely pathogenic for Dilated cardiomyopathy 1G. Last evaluated: 2024-10-08. Review status: criteria provided, single submitter. Criteria: ACMG Guidelines, 2015. Collection method: clinical testing. Allele origin: germline. Inheritance: Autosomal dominant inheritance. Affected: yes.
Comment: Based on the classification scheme VCGS_Germline_v1.3.4, this variant is classified as a Likely pathogenic. Following criteria are met: 0102 - Loss of function is a known mechanism of disease in this gene. In addition, dominant-negative is also a suggested mechanism. (PMID: 25589632). (I) 0108 - This gene is associated with both recessive and dominant disease (OMIM). (I) 0112 - The condition associated with this gene has incomplete penetrance. Variants in this gene that result in a premature truncating codon (PTC) are known to have reduced penetrance in DCM (PMID: 25589632). (I) 0201 - Variant is predicted to cause nonsense-mediated decay (NMD) and loss of protein (premature termination codon is located at least 54 nucleotides upstream of the final exon-exon junction). (SP) 0251 - This variant is heterozygous. (I) 0301 - Variant is absent from gnomAD (both v2 and v3). (SP) 0600 - Variant is located in the annotated A-band and the exon has a PSI score of 100% (PMID: 25589632). (I) 0702 - Other NMD-predicted variants comparable to the one identified in this case have strong previous evidence for pathogenicity (ClinVar). (SP) 0803 - This variant has limited previous evidence of pathogenicity in an unrelated individual. This variant has been reported as likely pathogenic by a clinical testing laboratory in ClinVar. (SP) 0905 - No published segregation evidence has been identified for this variant. (I) 1007 - No published functional evidence has been identified for this variant. (I) 1208 - Inheritance information for this variant is not currently available in this individual. (I) Legend: (SP) - Supporting pathogenic, (I) - Information, (SB) - Supporting benign

Labcorp Genetics (formerly Invitae), Labcorp
Classification: Likely pathogenic for Dilated cardiomyopathy 1G; Autosomal recessive limb-girdle muscular dystrophy type 2J. Last evaluated: 2019-09-13. Review status: criteria provided, single submitter. Criteria: Invitae Variant Classification Sherloc (09022015). Collection method: clinical testing. Allele origin: germline.
Comment: In summary, the currently available evidence indicates that the variant is pathogenic, but additional data are needed to prove that conclusively. Therefore, this variant has been classified as Likely Pathogenic. This variant is located in the A band of TTN (PMID: 25589632). Truncating variants in this region are significantly overrepresented in patients affected with dilated cardiomyopathy (PMID: 25589632). Truncating variants in this region have also been reported in individuals affected with autosomal recessive centronuclear myopathy (PMID: 23975875). This variant has not been reported in the literature in individuals with TTN-related conditions. This variant is not present in population databases (ExAC no frequency). This sequence change results in a premature translational stop signal in the TTN gene (p.Cys15714*). While this is not anticipated to result in nonsense mediated decay, it is expected to create a truncated TTN protein.

Literature cited by the submitters: PubMed 25589632 (cited by Victorian Clinical Genetics Services, Murdoch Childrens Research Institute and Labcorp Genetics (formerly Invitae), Labcorp); PubMed 23975875 (cited by Labcorp Genetics (formerly Invitae), Labcorp).

NM_001267550.2(TTN):c.47142_47143del (p.Cys15714_Glu15715delinsTer)

Genes: TTN-AS1 (TTN antisense RNA 1; plus strand), TTN (titin; minus strand). Cytogenetic location: 2q31.2.
Variant type: Microsatellite.
Coding change: c.47142_47143del on transcript NM_001267550.2 (MANE Select); coding-DNA positions 47142 to 47143, 2 bases deleted (TG; older notation c.47142_47143delTG).
Protein change: p.Cys15714_Glu15715delinsTer.
Molecular consequence: nonsense.
Genome position (GRCh38, 1-based): chr2:178,618,315-178,618,316, CA deleted on the plus strand (TG on the coding strand, the reverse complement: TTN is on the minus strand); deleting any 2 consecutive bases within chr2:178,618,315-178,618,318 gives the same sequence; the c. name uses the placement nearest the transcript's 3' end. VCF-style (leftmost placement, unchanged base first): chr2-178618314-TCA-T. GRCh37 (hg19) VCF-style: chr2-179483041-TCA-T.
Other names: c.39438_39439del, p.Cys13146_Glu13147delinsTer (NM_133378.4); c.20322_20323del, p.Cys6774_Glu6775delinsTer (NM_133432.3); c.20523_20524del, p.Cys6841_Glu6842delinsTer (NM_133437.4); c.42219_42220del, p.Cys14073_Glu14074delinsTer (NM_001256850.1); c.19947_19948del, p.Cys6649_Glu6650delinsTer (NM_003319.4); c.47142_47143delTG (NM_001267550.1).
Identifiers: ClinVar variation 935930 (VCV000935930.11), dbSNP rs869312107, ClinGen allele CA1039713733.
Genomic context (GRCh38, chr2:178,618,314, plus strand): 5'-CTTGCACTCACACGGAATAGGTACTCAACTCCTCCTTTCTGTAGACCAGTGACAGTAAAC[TCA>T]CAACTCTCTGCACGGTCTGTGGCCAGAACCCAGGTCTTTCTCTTAATGTCACGTCTTTCA-3'